The following is an entry in ClinVar:

ClinVar aggregate classification (germline): Benign (1 of 4 stars; one submission).

Submission:

GeneDx
Classification: Benign. Last evaluated: 2018-06-18. Review status: criteria provided, single submitter. Criteria: GeneDx Variant Classification (06012015). Collection method: clinical testing. Allele origin: germline. Affected: yes.
Comment: This variant is considered likely benign or benign based on one or more of the following criteria: it is a conservative change, it occurs at a poorly conserved position in the protein, it is predicted to be benign by multiple in silico algorithms, and/or has population frequency not consistent with disease.

NM_005506.4(SCARB2):c.1399-169_1399-167del

Gene: SCARB2 (scavenger receptor class B member 2; minus strand). Cytogenetic location: 4q21.1.
Variant type: Microsatellite.
Coding change: c.1399-169_1399-167del on transcript NM_005506.4 (MANE Select); 169 bases into the intron before coding-DNA position 1399 through 167 bases into the intron before coding-DNA position 1399, 3 bases deleted (CTG; older notation c.1399-169_1399-167delCTG).
Molecular consequence: intron variant.
Genome position (GRCh38, 1-based): chr4:76,161,918-76,161,920, CAG deleted on the plus strand (CTG on the coding strand, the reverse complement: SCARB2 is on the minus strand); deleting any 3 consecutive bases within chr4:76,161,918-76,161,923 gives the same sequence; the c. name uses the placement nearest the transcript's 3' end. VCF-style (leftmost placement, unchanged base first): chr4-76161917-TCAG-T. GRCh37 (hg19) VCF-style: chr4-77083070-TCAG-T.
Other names: c.970-169_970-167del (NM_001204255.2).
Identifiers: ClinVar variation 670900 (VCV000670900.1), dbSNP rs3836573, ClinGen allele CA99884527.